The following is an entry in ClinVar:

ClinVar aggregate classification (germline): Uncertain significance (1 of 4 stars; one submission).

Submission:

Medical Genetics, SUNY Upstate Medical University
Classification: Uncertain significance. Last evaluated: 2024-10-17. Review status: criteria provided, single submitter. Criteria: ACMG/ClinGen CNV Guidelines, 2019. Collection method: provider interpretation. Allele origin: de novo. Inheritance: Autosomal dominant inheritance. Affected: yes. Observed: 1 heterozygote.
Comment: Duplication of at least 9359 kb within cytogenetic band 3p14.2p14.1. Genomic coordinates: chr3:59443171_68802170 [GRCh37] dn The duplicated interval involves 20 genes, of which three (FEZF2, ATXN7, SLC25A26) are associated with known clinical disorders at present; however, gross duplications of these genes have not been reported to our knowledge and the effect of this duplication on the expression or function of genes in this region is unclear Heterozygous, usually de novo, variants in FEZF2 are associated with a neurodevelopmental disorder characterized by developmental delay, intellectual disability, autism, and/or attention deficit hyperactivity disorder, with additional features including hypotonia, febrile seizures, EEG abnormalities, behavioral issues, distinctive facial features, and motor coordination disorder (PMID: 38425142). 3p14 proximal interstitial deletions encompassing FEZF2 and other genes have been identified in patients with neurodevelopmental features (PMID: 30140195, 26075115, 23949945). Expansion of a CAG trinucleotide repeat in the coding sequence of exon 3 of the ATXN7 gene causes spinocerebellar ataxia type 7 (SCA7) (PMID: 20301433). SCA7 exhibits variable age of onset with features including failure to thrive, weight loss, motor regression, wasting, weakness, hypotonia, progressive cerebellar ataxia, dysarthria, dysphagia, dysmetria, dysdiadochokinesia, and progressive cone-rod retinal dystrophy (PMID: 10330346, 20301433, 17254003). SLC25A26 is associated with the autosomal recessive mitochondrial disorder combined oxidative phosphorylation deficiency-28 (COXPD28)(PMID: 26522469) A smaller duplication of unknown inheritance within this region has been reported by the DECIPHER Clinical Database in a patient with bifid uvula, high palate, dysmorphic features, brachycephaly, microdontia, soft skin, abnormal finger morphology, intellectual disability, spasticity, and ichthyosis (case 249496)(PMID: 19344873) Not observed at significant frequency in large population cohorts (Database of Genomic Variants) Has not been previously published as pathogenic or benign to our knowledge We interpret this as a Variant of Uncertain Significance.

GRCh37/hg19 3p14.2-14.1(chr3:59443171-68802170)x3

Genes: ADAMTS9 (ADAM metallopeptidase with thrombospondin type 1 motif 9; minus strand), ATXN7 (ataxin 7; plus strand), CADPS (calcium dependent secretion activator; minus strand), CEP15 (centrosomal protein 15; plus strand), FEZF2 (FEZ family zinc finger 2; minus strand) and 13 more. Cytogenetic location: 3p14.2-14.1.
Variant type: copy number gain.
Change: copy number 3 (three copies instead of two) of chr3:59,443,171-68,802,170 (9.36 Mb, GRCh37 coordinates, 1-based), cytogenetic band 3p14.2-14.1.
Identifiers: ClinVar variation 4796675 (VCV004796675.1).